The following is an entry in ClinVar:

ClinVar aggregate classification (germline): Uncertain significance (1 of 4 stars; one submission).

gnomAD v4.1: 3 of 1,612,194 alleles (0.00019%); highest among the groups gnomAD compares: Admixed American, 0.005%; no homozygotes.

Submission:

Labcorp Genetics (formerly Invitae), Labcorp
Classification: Uncertain significance. Last evaluated: 2024-04-13. Review status: criteria provided, single submitter. Criteria: Invitae Variant Classification Sherloc (09022015). Collection method: clinical testing. Allele origin: germline.
Comment: This sequence change falls in intron 12 of the DDX58 gene. It does not directly change the encoded amino acid sequence of the DDX58 protein. This variant is present in population databases (rs374204566, gnomAD 0.006%). This variant has not been reported in the literature in individuals affected with DDX58-related conditions. Algorithms developed to predict the effect of sequence changes on RNA splicing suggest that this variant may disrupt the consensus splice site. In summary, the available evidence is currently insufficient to determine the role of this variant in disease. Therefore, it has been classified as a Variant of Uncertain Significance.

NM_014314.4(RIGI):c.1775-5T>A

Gene: RIGI (RNA sensor RIG-I; minus strand). Cytogenetic location: 9p21.1.
Variant type: single nucleotide variant.
Coding change: c.1775-5T>A on transcript NM_014314.4 (MANE Select); 5 bases into the intron before coding-DNA position 1775, T replaced by A.
Molecular consequence: intron variant.
Genome position (GRCh38, 1-based): chr9:32,477,136, A>T on the plus strand (T>A on the coding strand, the complement: RIGI is on the minus strand). VCF-style: chr9-32477136-A-T. GRCh37 (hg19) VCF-style: chr9-32477134-A-T.
Other names: c.1166-5T>A (NM_001385912.1); c.1760-5T>A (NM_001385913.1); c.1769-5T>A (NM_001385907.1); c.1775-5T>A (NM_001385909.1); c.1331-5T>A (NM_001385914.1); c.1334-5T>A (NM_001385910.1).
Identifiers: ClinVar variation 3717174 (VCV003717174.2).
Genomic context (GRCh38, chr9:32,477,136, plus strand): 5'-TTTAGGATTCTCATTGCTGGGATCCCTGGAAACACTTTCTAGTTCCTGCAGCTTTTCTGC[A>T]AATGGGAAACATTTTATAAATGGCTTATAAATTCTAAAAATTTAGAACACACTGTGACCT-3'